The following is an entry in ClinVar:

ClinVar aggregate classification (germline): Uncertain significance. Review status: criteria provided, multiple submitters, no conflicts (2 of 4 stars). 2 submissions from 2 submitters: Uncertain significance (2). Last evaluated 2022-10-17.

Conditions:
Hereditary cancer-predisposing syndrome. Also called: Neoplastic Syndromes, Hereditary; Tumor predisposition; Hereditary neoplastic syndrome; Hereditary Cancer Syndrome. Identifiers: Orphanet 140162, MedGen C0027672, MeSH D009386, MONDO:0015356.
Fanconi anemia (FA). Also called: Fanconi's anemia. Identifiers: Orphanet 84, MedGen C0015625, MeSH D005199, MONDO:0019391.

Submissions (2):

Ambry Genetics
Classification: Uncertain significance for Hereditary cancer-predisposing syndrome. Last evaluated: 2022-10-17. Review status: criteria provided, single submitter. Criteria: Ambry Variant Classification Scheme 2023. Collection method: clinical testing. Allele origin: germline.
Comment: The p.E324D variant (also known as c.972A>C), located in coding exon 9 of the FANCC gene, results from an A to C substitution at nucleotide position 972. The glutamic acid at codon 324 is replaced by aspartic acid, an amino acid with highly similar properties. This amino acid position is conserved. In addition, this alteration is predicted to be tolerated by in silico analysis. Since supporting evidence is limited at this time, the clinical significance of this alteration remains unclear.

Labcorp Genetics (formerly Invitae), Labcorp
Classification: Uncertain significance for Fanconi anemia. Last evaluated: 2021-01-11. Review status: criteria provided, single submitter. Criteria: Invitae Variant Classification Sherloc (09022015). Collection method: clinical testing. Allele origin: germline.
Comment: In summary, the available evidence is currently insufficient to determine the role of this variant in disease. Therefore, it has been classified as a Variant of Uncertain Significance. Algorithms developed to predict the effect of missense changes on protein structure and function output the following: SIFT: "Tolerated"; PolyPhen-2: "Benign"; Align-GVGD: "Class C0". The aspartic acid amino acid residue is found in multiple mammalian species, suggesting that this missense change does not adversely affect protein function. These predictions have not been confirmed by published functional studies and their clinical significance is uncertain. This variant has not been reported in the literature in individuals with FANCC-related conditions. This variant is not present in population databases (ExAC no frequency). This sequence change replaces glutamic acid with aspartic acid at codon 324 of the FANCC protein (p.Glu324Asp). The glutamic acid residue is moderately conserved and there is a small physicochemical difference between glutamic acid and aspartic acid.

NM_000136.3(FANCC):c.972A>C (p.Glu324Asp)

Genes: FANCC (FA complementation group C; minus strand), AOPEP (aminopeptidase O (putative); plus strand). Cytogenetic location: 9q22.32.
Variant type: single nucleotide variant.
Coding change: c.972A>C on transcript NM_000136.3 (MANE Select); coding-DNA position 972, A replaced by C.
Protein change: p.Glu324Asp; replaces glutamic acid 324 with aspartic acid.
Molecular consequence: missense variant.
Genome position (GRCh38, 1-based): chr9:95,125,110, T>G on the plus strand (A>C on the coding strand, the complement: FANCC is on the minus strand). VCF-style: chr9-95125110-T-G. GRCh37 (hg19) VCF-style: chr9-97887392-T-G.
Other names: c.972A>C, p.Glu324Asp (NM_001243743.2, NM_001243744.2); short protein forms E324D.
Identifiers: ClinVar variation 1355145 (VCV001355145.10), dbSNP rs1261385032, ClinGen allele CA374108814.